The following is an entry in ClinVar:

NM_007286.6(SYNPO):c.2360G>C (p.Arg787Thr)

Gene: SYNPO (synaptopodin; plus strand). Cytogenetic location: 5q33.1.
Variant type: single nucleotide variant.
Coding change: c.2360G>C on transcript NM_007286.6 (MANE Select); coding-DNA position 2360, G replaced by C.
Protein change: p.Arg787Thr; replaces arginine 787 with threonine.
Molecular consequence: missense variant.
Genome position (GRCh38, 1-based): chr5:150,656,735, G>C. VCF-style: chr5-150656735-G-C. GRCh37 (hg19) VCF-style: chr5-150036297-G-C.
Other names: short protein forms R787T.
Identifiers: ClinVar variation 4803559 (VCV004803559.1).

ClinVar aggregate classification (germline): Uncertain significance (1 of 4 stars; one submission).

Submission:

Labcorp Genetics (formerly Invitae), Labcorp
Classification: Uncertain significance. Last evaluated: 2025-08-18. Review status: criteria provided, single submitter. Criteria: Invitae Variant Classification Sherloc (09022015). Collection method: clinical testing. Allele origin: germline.
Comment: This sequence change replaces arginine, which is basic and polar, with threonine, which is neutral and polar, at codon 787 of the SYNPO protein (p.Arg787Thr). The frequency data for this variant in the population databases is considered unreliable, as metrics indicate poor data quality at this position in the gnomAD database. This missense change has been observed in individual(s) with SYNPO--related conditions (PMID: 33057194). An algorithm developed to predict the effect of missense changes on protein structure and function (PolyPhen-2) suggests that this variant is likely to be tolerated. In summary, the available evidence is currently insufficient to determine the role of this variant in disease. Therefore, it has been classified as a Variant of Uncertain Significance.

Literature cited by the submitters: PubMed 33057194.